The following is an entry in ClinVar:

NM_020779.4(WDR35):c.2193G>C (p.Met731Ile)

Gene: WDR35 (WD repeat domain 35; minus strand). Cytogenetic location: 2p24.1.
Variant type: single nucleotide variant.
Coding change: c.2193G>C on transcript NM_020779.4 (MANE Select); coding-DNA position 2193, G replaced by C.
Protein change: p.Met731Ile; replaces methionine 731 with isoleucine.
Molecular consequence: missense variant.
Genome position (GRCh38, 1-based): chr2:19,937,817, C>G on the plus strand (G>C on the coding strand, the complement: WDR35 is on the minus strand). VCF-style: chr2-19937817-C-G. GRCh37 (hg19) VCF-style: chr2-20137578-C-G.
Other names: c.2226G>C, p.Met742Ile (NM_001006657.2); short protein forms M742I, M731I.
Identifiers: ClinVar variation 2166165 (VCV002166165.1), dbSNP rs770189829, ClinGen allele CA1543021.

ClinVar aggregate classification (germline): Uncertain significance (1 of 4 stars; one submission).

Conditions:
Short-rib thoracic dysplasia 7 with or without polydactyly (SRTD7). Also called: Short rib polydactyly syndrome 5; SHORT-RIB THORACIC DYSPLASIA 7 WITH POLYDACTYLY. Identifiers: Orphanet 498497, Orphanet 93271, MedGen C3279792, MONDO:0013569, OMIM 614091.
Cranioectodermal dysplasia 2 (CED2). Identifiers: Orphanet 1515, MedGen C3150874, MONDO:0013323, OMIM 613610.

Allele frequency attached by ClinVar (database versions not stated): gnomAD 0.00001; TOPMed 0.00001.
gnomAD v4.1: 7 of 1,614,024 alleles (0.00043%); highest among the groups gnomAD compares: Non-Finnish European, 0.00042%; no homozygotes.

Submission:

Labcorp Genetics (formerly Invitae), Labcorp
Classification: Uncertain significance for Cranioectodermal dysplasia 2; Short-rib thoracic dysplasia 7 with or without polydactyly. Last evaluated: 2022-05-03. Review status: criteria provided, single submitter. Criteria: Invitae Variant Classification Sherloc (09022015). Collection method: clinical testing. Allele origin: germline.
Comment: This sequence change replaces methionine, which is neutral and non-polar, with isoleucine, which is neutral and non-polar, at codon 742 of the WDR35 protein (p.Met742Ile). This variant is present in population databases (rs770189829, gnomAD 0.0009%). This variant has not been reported in the literature in individuals affected with WDR35-related conditions. Algorithms developed to predict the effect of missense changes on protein structure and function (SIFT, PolyPhen-2, Align-GVGD) all suggest that this variant is likely to be tolerated. In summary, the available evidence is currently insufficient to determine the role of this variant in disease. Therefore, it has been classified as a Variant of Uncertain Significance.